The following is an entry in ClinVar:

ClinVar aggregate classification (germline): Uncertain significance (1 of 4 stars; one submission).

Conditions:
Gorlin syndrome. Also called: Basal cell nevus syndrome; Nevoid Basal Cell Carcinoma Syndrome. Identifiers: Orphanet 377, MedGen C0004779, MONDO:0007187.

Allele frequency attached by ClinVar (database versions not stated): gnomAD 0.00001.
gnomAD v4.1: 1 of 1,613,884 alleles (0.000062%); highest among the groups gnomAD compares: Admixed American, 0.0017%; no homozygotes.

Submission:

Labcorp Genetics (formerly Invitae), Labcorp
Classification: Uncertain significance for Gorlin syndrome. Last evaluated: 2018-12-27. Review status: criteria provided, single submitter. Criteria: Invitae Variant Classification Sherloc (09022015). Collection method: clinical testing. Allele origin: germline.
Comment: This sequence change replaces methionine with threonine at codon 658 of the PTCH1 protein (p.Met658Thr). The methionine residue is moderately conserved and there is a moderate physicochemical difference between methionine and threonine. This variant is not present in population databases (ExAC no frequency). This variant has not been reported in the literature in individuals with PTCH1-related conditions. Algorithms developed to predict the effect of missense changes on protein structure and function are either unavailable or do not agree on the potential impact of this missense change (SIFT: "Deleterious"; PolyPhen-2: "Benign"; Align-GVGD: "Class C0"). In summary, the available evidence is currently insufficient to determine the role of this variant in disease. Therefore, it has been classified as a Variant of Uncertain Significance.

NM_000264.5(PTCH1):c.1973T>C (p.Met658Thr)

Genes: PTCH1 (patched 1; minus strand), LOC100507346 (uncharacterized LOC100507346; plus strand). Cytogenetic location: 9q22.32.
Variant type: single nucleotide variant.
Coding change: c.1973T>C on transcript NM_000264.5 (MANE Select); coding-DNA position 1973, T replaced by C.
Protein change: p.Met658Thr; replaces methionine 658 with threonine.
Molecular consequence: missense variant. On other transcripts: non-coding transcript variant (2).
Genome position (GRCh38, 1-based): chr9:95,469,028, A>G on the plus strand (T>C on the coding strand, the complement: PTCH1 is on the minus strand). VCF-style: chr9-95469028-A-G. GRCh37 (hg19) VCF-style: chr9-98231310-A-G.
Other names: c.1775T>C, p.Met592Thr (NM_001083602.3); c.1970T>C, p.Met657Thr (NM_001083603.3); c.1520T>C, p.Met507Thr (NM_001083604.3, NM_001083605.3, NM_001083606.3 and 1 more transcripts); c.1817T>C, p.Met606Thr (NM_001354918.2); short protein forms M592T, M658T, M507T, M657T, M606T.
Identifiers: ClinVar variation 646092 (VCV000646092.1), dbSNP rs1588575145, ClinGen allele CA374115925.
Genomic context (GRCh38, chr9:95,469,028, plus strand): 5'-GTGGTGTAGTACACGTGCGTGTGGGGGTCGTACTCCGTGCGGAGCTGGACAGTGGACTGC[A>G]TGGTAATCTGCGTTTCATGGGCAAAGCTGTGGCTGCTGTAGGGAGGTGGGGGGCTGTAGC-3'
Protein context (NP_000255.2, residues 648-668): HSFAHETQIT[Met658Thr]QSTVQLRTEY